The following is an entry in ClinVar:

ClinVar aggregate classification (germline): Likely benign. Review status: criteria provided, multiple submitters, no conflicts (2 of 4 stars). 6 submissions from 6 submitters: Likely benign (6). Last evaluated 2026-01-01.

Conditions:
MYH6-related disorder. Also called: MYH6-Related Disorders; MYH6-related condition.
Cardiovascular phenotype. Identifiers: MedGen CN230736.
Hypertrophic cardiomyopathy 14. Identifiers: MedGen C2750467, MONDO:0013197, OMIM 613251.

Allele frequency attached by ClinVar (database versions not stated): gnomAD 0.00003; TOPMed 0.00004; ESP Exome Variant Server 0.00008.
gnomAD v4.1: 45 of 1,614,000 alleles (0.0028%); highest among the groups gnomAD compares: Middle Eastern, 0.033%; no homozygotes.

Submissions (6):

CeGaT Center for Human Genetics Tuebingen
Classification: Likely benign. Last evaluated: 2026-01-01. Review status: criteria provided, single submitter. Criteria: CeGaT Center For Human Genetics Tuebingen Variant Classification Criteria Version 2. Collection method: clinical testing. Allele origin: germline. Affected: yes. Observed: 1 variant allele.
Comment: MYH6: BP4, BP7

Labcorp Genetics (formerly Invitae), Labcorp
Classification: Likely benign for Hypertrophic cardiomyopathy 14. Last evaluated: 2025-10-28. Review status: criteria provided, single submitter. Criteria: Invitae Variant Classification Sherloc (09022015). Collection method: clinical testing. Allele origin: germline.

PreventionGenetics, part of Exact Sciences
Classification: Likely benign for MYH6-related condition. Last evaluated: 2025-06-19. Review status: criteria provided, single submitter. Criteria: ACMG Guidelines, 2015. Collection method: clinical testing. Allele origin: germline.
Comment: This variant is classified as likely benign based on ACMG/AMP sequence variant interpretation guidelines (Richards et al. 2015 PMID: 25741868, with internal and published modifications).

Blueprint Genetics
Classification: Likely benign. Last evaluated: 2024-05-24. Review status: criteria provided, single submitter. Criteria: ACMG Guidelines, 2015. Collection method: clinical testing. Allele origin: germline.

GeneDx
Classification: Likely benign. Last evaluated: 2020-11-27. Review status: criteria provided, single submitter. Criteria: GeneDx Variant Classification Process June 2021. Collection method: clinical testing. Allele origin: germline. Affected: yes.

Ambry Genetics
Classification: Likely benign for Cardiovascular phenotype. Last evaluated: 2020-03-02. Review status: criteria provided, single submitter. Criteria: Ambry Variant Classification Scheme 2023. Collection method: clinical testing. Allele origin: germline.

NM_002471.4(MYH6):c.1155G>A (p.Ser385=)

Gene: MYH6 (myosin heavy chain 6; minus strand). Cytogenetic location: 14q11.2.
Variant type: single nucleotide variant.
Coding change: c.1155G>A on transcript NM_002471.4 (MANE Select); coding-DNA position 1155, G replaced by A.
Protein change: p.Ser385=; no amino-acid change (serine 385 retained).
Molecular consequence: synonymous variant.
Genome position (GRCh38, 1-based): chr14:23,400,964, C>T on the plus strand (G>A on the coding strand, the complement: MYH6 is on the minus strand). VCF-style: chr14-23400964-C-T. GRCh37 (hg19) VCF-style: chr14-23870173-C-T.
Identifiers: ClinVar variation 389536 (VCV000389536.19), dbSNP rs147903010, ClinGen allele CA7115864.